The following is an entry in ClinVar:

NM_001163435.3(TBCK):c.2633A>G (p.Asn878Ser)

Gene: TBCK (TBC1 domain containing kinase; minus strand). Cytogenetic location: 4q24.
Variant type: single nucleotide variant.
Coding change: c.2633A>G on transcript NM_001163435.3 (MANE Select); coding-DNA position 2633, A replaced by G.
Protein change: p.Asn878Ser; replaces asparagine 878 with serine.
Molecular consequence: missense variant.
Genome position (GRCh38, 1-based): chr4:106,046,619, T>C on the plus strand (A>G on the coding strand, the complement: TBCK is on the minus strand). VCF-style: chr4-106046619-T-C. GRCh37 (hg19) VCF-style: chr4-106967776-T-C.
Other names: c.2633A>G, p.Asn878Ser (NM_001163436.4); c.2516A>G, p.Asn839Ser (NM_001163437.3); c.2117A>G, p.Asn706Ser (NM_001290768.2); c.2444A>G, p.Asn815Ser (NM_033115.5); short protein forms N839S, N706S, N878S, N815S.
Identifiers: ClinVar variation 1481375 (VCV001481375.8), dbSNP rs1734243867, ClinGen allele CA357971311.

ClinVar aggregate classification (germline): Uncertain significance (1 of 4 stars; one submission).

Allele frequency attached by ClinVar (database versions not stated): gnomAD exomes below 0.00001; gnomAD 0.00001; TOPMed 0.00003.
gnomAD v4.1: 3 of 1,612,642 alleles (0.00019%); highest among the groups gnomAD compares: African/African-American, 0.004%; no homozygotes.

Submission:

Labcorp Genetics (formerly Invitae), Labcorp
Classification: Uncertain significance. Last evaluated: 2022-07-12. Review status: criteria provided, single submitter. Criteria: Invitae Variant Classification Sherloc (09022015). Collection method: clinical testing. Allele origin: germline.
Comment: In summary, the available evidence is currently insufficient to determine the role of this variant in disease. Therefore, it has been classified as a Variant of Uncertain Significance. This sequence change replaces asparagine, which is neutral and polar, with serine, which is neutral and polar, at codon 878 of the TBCK protein (p.Asn878Ser). This variant is not present in population databases (gnomAD no frequency). This variant has not been reported in the literature in individuals affected with TBCK-related conditions. ClinVar contains an entry for this variant (Variation ID: 1481375). Algorithms developed to predict the effect of missense changes on protein structure and function output the following: SIFT: "Tolerated"; PolyPhen-2: "Benign"; Align-GVGD: "Class C0". The serine amino acid residue is found in multiple mammalian species, which suggests that this missense change does not adversely affect protein function.